The following is an entry in ClinVar:

ClinVar aggregate classification (germline): Uncertain significance (1 of 4 stars; one submission).

Conditions:
Cystic fibrosis (CF). Also called: MUCOVISCIDOSIS. Identifiers: Orphanet 586, MedGen C0010674, MONDO:0009061, OMIM 219700. Disease mechanism: loss of function.

Submission:

Ambry Genetics
Classification: Uncertain significance for Cystic fibrosis. Last evaluated: 2026-03-09. Review status: criteria provided, single submitter. Criteria: Ambry Variant Classification Scheme 2023. Collection method: clinical testing. Allele origin: germline.
Comment: The p.Y515F variant (also known as c.1544A>T), located in coding exon 11 of the CFTR gene, results from an A to T substitution at nucleotide position 1544. The tyrosine at codon 515 is replaced by phenylalanine, an amino acid with highly similar properties. This amino acid position is conserved. In addition, the in silico prediction for this alteration is inconclusive. Based on the available evidence, the clinical significance of this variant remains unclear.

NM_000492.4(CFTR):c.1544A>T (p.Tyr515Phe)

Genes: CFTR (CF transmembrane conductance regulator; plus strand), CFTR-AS1 (CFTR antisense RNA 1; minus strand). Cytogenetic location: 7q31.2.
Variant type: single nucleotide variant.
Coding change: c.1544A>T on transcript NM_000492.4 (MANE Select); coding-DNA position 1544, A replaced by T.
Protein change: p.Tyr515Phe; replaces tyrosine 515 with phenylalanine.
Molecular consequence: missense variant.
Genome position (GRCh38, 1-based): chr7:117,559,615, A>T. VCF-style: chr7-117559615-A-T. GRCh37 (hg19) VCF-style: chr7-117199669-A-T.
Other names: short protein forms Y515F.
Identifiers: ClinVar variation 4827538 (VCV004827538.1).